The following is an entry in ClinVar:

NM_001458.5(FLNC):c.664A>G (p.Met222Val)

Gene: FLNC (filamin C; plus strand). Cytogenetic location: 7q32.1.
Variant type: single nucleotide variant.
Coding change: c.664A>G on transcript NM_001458.5 (MANE Select); coding-DNA position 664, A replaced by G.
Protein change: p.Met222Val; replaces methionine 222 with valine.
Molecular consequence: missense variant.
Genome position (GRCh38, 1-based): chr7:128,837,222, A>G. VCF-style: chr7-128837222-A-G. GRCh37 (hg19) VCF-style: chr7-128477276-A-G.
Other names: c.664A>G, p.Met222Val (NM_001127487.2); short protein forms M222V.
Identifiers: ClinVar variation 1446750 (VCV001446750.7), dbSNP rs2128934074, ClinGen allele CA369221351.

ClinVar aggregate classification (germline): Pathogenic/Likely pathogenic. Review status: criteria provided, multiple submitters, no conflicts (2 of 4 stars). 2 submissions from 2 submitters: Pathogenic (1); Likely pathogenic (1). Last evaluated 2025-09-11.

Conditions:
Hypertrophic cardiomyopathy 26. Also called: Cardiomyopathy, familial hypertrophic, 26. Identifiers: Orphanet 75249, MedGen C4310749, MONDO:0014883, OMIM 617047.
Myofibrillar myopathy 5. Also called: Filaminopathy (type); FILAMINOPATHY, AUTOSOMAL DOMINANT. Identifiers: Orphanet 171445, MedGen C1836050, MONDO:0012289, OMIM 609524.
Distal myopathy with posterior leg and anterior hand involvement. Also called: WILLIAMS DISTAL MYOPATHY. Identifiers: Orphanet 63273, MedGen C3279722, MONDO:0013550, OMIM 614065.

Submissions (2):

Labcorp Genetics (formerly Invitae), Labcorp
Classification: Pathogenic for Distal myopathy with posterior leg and anterior hand involvement; Myofibrillar myopathy 5; Hypertrophic cardiomyopathy 26. Last evaluated: 2025-09-11. Review status: criteria provided, single submitter. Criteria: Invitae Variant Classification Sherloc (09022015). Collection method: clinical testing. Allele origin: germline.
Comment: This sequence change replaces methionine, which is neutral and non-polar, with valine, which is neutral and non-polar, at codon 222 of the FLNC protein (p.Met222Val). This variant is not present in population databases (gnomAD no frequency). This missense change has been observed in individual(s) with distal myofibrillar myopathy (PMID: 30685713). It has also been observed to segregate with disease in related individuals. ClinVar contains an entry for this variant (Variation ID: 1446750). Invitae Evidence Modeling of protein sequence and biophysical properties (such as structural, functional, and spatial information, amino acid conservation, physicochemical variation, residue mobility, and thermodynamic stability) has been performed for this missense variant. However, the output from this modeling did not meet the statistical confidence thresholds required to predict the impact of this variant on FLNC protein function. For these reasons, this variant has been classified as Pathogenic.

3billion
Classification: Likely pathogenic for Distal myopathy with posterior leg and anterior hand involvement. Last evaluated: 2023-08-16. Review status: criteria provided, single submitter. Criteria: ACMG Guidelines, 2015. Collection method: clinical testing. Allele origin: germline. Affected: yes.
Comment: The variant is not observed in the gnomAD v2.1.1 dataset. Predicted Consequence/Location: Protein truncation variants are a common disease-causing mechanism. In silico tool predictions suggest damaging effect of the variant on gene or gene product [REVEL: 0.64 (>=0.6, sensitivity 0.68 and specificity 0.92); 3Cnet: 0.47 (>=0.6, sensitivity 0.72 and precision 0.9)]. Same nucleotide change resulting in same amino acid change has been previously reported to be associated with FLNC related disorder (ClinVar ID: VCV001446750 /PMID: 30685713). The variant has been reported to co-segregate with the disease in at least 3 similarly affected relatives/individuals in the same family or similarly affected unrelated families (PMID: 30685713). A different missense change at the same codon (p.Met222Thr) has been reported to be associated with FLNC related disorder (ClinVar ID: VCV001705740 /PMID: 35903116). Therefore, this variant is classified as Likely pathogenic according to the recommendation of ACMG/AMP guideline.

Literature cited by the submitters: PubMed 30685713 (cited by Labcorp Genetics (formerly Invitae), Labcorp and 3billion); PubMed 35903116 (cited by 3billion).